The following is an entry in ClinVar:

NM_170606.3(KMT2C):c.10063A>G (p.Ile3355Val)

Gene: KMT2C (lysine methyltransferase 2C; minus strand). Cytogenetic location: 7q36.1.
Variant type: single nucleotide variant.
Coding change: c.10063A>G on transcript NM_170606.3 (MANE Select); coding-DNA position 10063, A replaced by G.
Protein change: p.Ile3355Val; replaces isoleucine 3355 with valine.
Molecular consequence: missense variant.
Genome position (GRCh38, 1-based): chr7:152,163,514, T>C on the plus strand (A>G on the coding strand, the complement: KMT2C is on the minus strand). VCF-style: chr7-152163514-T-C. GRCh37 (hg19) VCF-style: chr7-151860599-T-C.
Other names: short protein forms I3355V.
Identifiers: ClinVar variation 2060529 (VCV002060529.6), dbSNP rs567529073, ClinGen allele CA4579359.
Genomic context (GRCh38, chr7:152,163,514, plus strand): 5'-GATTTGCATTTGAGACTGTCCCTGGGGCTGGTGTACAAGTTTTTATTGGTAACTGGGCAA[T>C]TGGGGGCTGAATTCTAGGAGGATTGAGGGGCAGGTGGGCAGGAGCACTGTTGGGTTGCCA-3'
Protein context (NP_733751.2, residues 3345-3365): PLNPPRIQPP[Ile3355Val]AQLPIKTCTP

ClinVar aggregate classification (germline): Likely benign. Review status: criteria provided, multiple submitters, no conflicts (2 of 4 stars). 3 submissions from 3 submitters: Likely benign (3). Last evaluated 2024-10-20.

Conditions:
KMT2C-related disorder. Also called: KMT2C-related disorders; KMT2C-related condition.
Inborn genetic diseases. Identifiers: MedGen C0950123, MeSH D030342.

Allele frequency attached by ClinVar (database versions not stated): gnomAD exomes 0.00002; ExAC 0.00007; TOPMed 0.00007.
gnomAD v4.1: 42 of 1,613,320 alleles (0.0026%); highest among the groups gnomAD compares: East Asian, 0.053%; no homozygotes.

Submissions (3):

PreventionGenetics, part of Exact Sciences
Classification: Likely benign for KMT2C-related condition. Last evaluated: 2024-10-20. Review status: criteria provided, single submitter. Criteria: ACMG Guidelines, 2015. Collection method: clinical testing. Allele origin: germline.
Comment: This variant is classified as likely benign based on ACMG/AMP sequence variant interpretation guidelines (Richards et al. 2015 PMID: 25741868, with internal and published modifications).

Labcorp Genetics (formerly Invitae), Labcorp
Classification: Likely benign. Last evaluated: 2024-02-20. Review status: criteria provided, single submitter. Criteria: Invitae Variant Classification Sherloc (09022015). Collection method: clinical testing. Allele origin: germline.

Ambry Genetics
Classification: Likely benign for Inborn genetic diseases. Last evaluated: 2021-12-03. Review status: criteria provided, single submitter. Criteria: Ambry Variant Classification Scheme 2023. Collection method: clinical testing. Allele origin: germline.